The following is an entry in ClinVar:

NM_006904.7(PRKDC):c.6043G>A (p.Ala2015Thr)

Gene: PRKDC (protein kinase, DNA-activated, catalytic subunit; minus strand). Cytogenetic location: 8q11.21.
Variant type: single nucleotide variant.
Coding change: c.6043G>A on transcript NM_006904.7 (MANE Select); coding-DNA position 6043, G replaced by A.
Protein change: p.Ala2015Thr; replaces alanine 2015 with threonine.
Molecular consequence: missense variant.
Genome position (GRCh38, 1-based): chr8:47,860,914, C>T on the plus strand (G>A on the coding strand, the complement: PRKDC is on the minus strand). VCF-style: chr8-47860914-C-T. GRCh37 (hg19) VCF-style: chr8-48773475-C-T.
Other names: c.6043G>A, p.Ala2015Thr (NM_001081640.2); short protein forms A2015T.
Identifiers: ClinVar variation 1496291 (VCV001496291.6), dbSNP rs2154500643, ClinGen allele CA371161486.

ClinVar aggregate classification (germline): Uncertain significance (1 of 4 stars; one submission).

Conditions:
Severe combined immunodeficiency due to DNA-PKcs deficiency. Also called: Immunodeficiency 26 with or without neurologic abnormalities; IMMUNODEFICIENCY 26 WITH NEUROLOGIC ABNORMALITIES. Identifiers: Orphanet 317425, MedGen C4014833, MONDO:0014423, OMIM 615966.

Submission:

Labcorp Genetics (formerly Invitae), Labcorp
Classification: Uncertain significance for Severe combined immunodeficiency due to DNA-PKcs deficiency. Last evaluated: 2020-12-22. Review status: criteria provided, single submitter. Criteria: Invitae Variant Classification Sherloc (09022015). Collection method: clinical testing. Allele origin: germline.
Comment: Experimental studies and prediction algorithms are not available or were not evaluated, and the functional significance of this variant is currently unknown. In summary, the available evidence is currently insufficient to determine the role of this variant in disease. Therefore, it has been classified as a Variant of Uncertain Significance. This variant has not been reported in the literature in individuals with PRKDC-related conditions. This variant is not present in population databases (ExAC no frequency). This sequence change replaces alanine with threonine at codon 2015 of the PRKDC protein (p.Ala2015Thr). The alanine residue is weakly conserved and there is a small physicochemical difference between alanine and threonine.